The following is an entry in ClinVar:

ClinVar aggregate classification (germline): Uncertain significance (1 of 4 stars; one submission).

Conditions:
Hereditary cancer-predisposing syndrome. Also called: Neoplastic Syndromes, Hereditary; Tumor predisposition; Hereditary Cancer Syndrome; Hereditary neoplastic syndrome. Identifiers: Orphanet 140162, MedGen C0027672, MeSH D009386, MONDO:0015356.

Submission:

Ambry Genetics
Classification: Uncertain significance for Hereditary cancer-predisposing syndrome. Last evaluated: 2025-10-22. Review status: criteria provided, single submitter. Criteria: Ambry Variant Classification Scheme 2023. Collection method: clinical testing. Allele origin: germline.
Comment: The p.S184I variant (also known as c.551G>T), located in coding exon 4 of the NTHL1 gene, results from a G to T substitution at nucleotide position 551. The serine at codon 184 is replaced by isoleucine, an amino acid with dissimilar properties. This amino acid position is conserved. In addition, this alteration is predicted to be tolerated by in silico analysis. Based on the available evidence, the clinical significance of this variant remains unclear.

NM_002528.7(NTHL1):c.527G>T (p.Ser176Ile)

Gene: NTHL1 (nth like DNA glycosylase 1; minus strand). Cytogenetic location: 16p13.3.
Variant type: single nucleotide variant.
Coding change: c.527G>T on transcript NM_002528.7 (MANE Select); coding-DNA position 527, G replaced by T.
Protein change: p.Ser176Ile; replaces serine 176 with isoleucine.
Molecular consequence: missense variant.
Genome position (GRCh38, 1-based): chr16:2,043,725, C>A on the plus strand (G>T on the coding strand, the complement: NTHL1 is on the minus strand). VCF-style: chr16-2043725-C-A. GRCh37 (hg19) VCF-style: chr16-2093726-C-A.
Other names: c.356G>T, p.Ser119Ile (NM_001318193.2); c.197G>T, p.Ser66Ile (NM_001318194.2); short protein forms S66I, S119I, S176I.
Identifiers: ClinVar variation 4662305 (VCV004662305.1).
Genomic context (GRCh38, chr16:2,043,725, plus strand): 5'-ATGTCCCCACCGTAGTGCTGCTGCAGGATGGCGCTGGTCTGCTTGATGTATTTCACCTTG[C>A]TCTGAAAGACAGGGGTGGGTTCAGCCTTGGAGGCAAGGGCACAGCCCAACCTGGGAGGAT-3'
Protein context (NP_002519.2, residues 166-186): KLIYPVGFWR[Ser176Ile]KVKYIKQTSA